The following is an entry in ClinVar:

ClinVar aggregate classification (germline): Benign/Likely benign. Review status: criteria provided, multiple submitters, no conflicts (2 of 4 stars). 2 submissions from 2 submitters: Benign (1); Likely benign (1). Last evaluated 2023-02-01.

Allele frequency attached by ClinVar (database versions not stated): 1000 Genomes Project 30x 0.00047; TOPMed 0.00159; gnomAD exomes 0.00174; ExAC 0.00180; ESP Exome Variant Server 0.00190.
gnomAD v4.1: 4,183 of 1,612,688 alleles (0.26%); highest among the groups gnomAD compares: Non-Finnish European, 0.33%; 7 homozygotes.

Submissions (2):

CeGaT Center for Human Genetics Tuebingen
Classification: Likely benign. Last evaluated: 2023-02-01. Review status: criteria provided, single submitter. Criteria: CeGaT Center For Human Genetics Tuebingen Variant Classification Criteria Version 2. Collection method: clinical testing. Allele origin: germline. Affected: yes. Observed: 2 variant alleles.
Comment: IGSF9B: BP4, BP7

Labcorp Genetics (formerly Invitae), Labcorp
Classification: Benign. Last evaluated: 2017-12-27. Review status: criteria provided, single submitter. Criteria: Invitae Variant Classification Sherloc (09022015). Collection method: clinical testing. Allele origin: germline.

NM_001277285.4(IGSF9B):c.1260C>A (p.Pro420=)

Gene: IGSF9B (immunoglobulin superfamily member 9B; minus strand). Cytogenetic location: 11q25.
Variant type: single nucleotide variant.
Coding change: c.1260C>A on transcript NM_001277285.4 (MANE Select); coding-DNA position 1260, C replaced by A.
Protein change: p.Pro420=; no amino-acid change (proline 420 retained).
Molecular consequence: synonymous variant.
Genome position (GRCh38, 1-based): chr11:133,931,561, G>T on the plus strand (C>A on the coding strand, the complement: IGSF9B is on the minus strand). VCF-style: chr11-133931561-G-T. GRCh37 (hg19) VCF-style: chr11-133801456-G-T.
Identifiers: ClinVar variation 708539 (VCV000708539.27), dbSNP rs182620767, ClinGen allele CA6369375.
Genomic context (GRCh38, chr11:133,931,561, plus strand): 5'-GATAAGTAGCTCCCGGCCGGCCTCCTGCCTGTACTCCCAGCCTGGTAGCACCGTGAAATA[G>T]GGGGGGTCCTGGGGAGGAAAGCACAGGCACCCTCGTGAGGCCGGGGATCCAGGTGCCCAG-3'
Protein context (NP_001264214.1, residues 410-430): APARLVLKDP[Pro420=]YFTVLPGWEY